The following is an entry in ClinVar:

ClinVar aggregate classification (germline): Uncertain significance (1 of 4 stars; one submission).

Conditions:
Inborn genetic diseases. Identifiers: MedGen C0950123, MeSH D030342.

Allele frequency attached by ClinVar (database versions not stated): gnomAD 0.00001; gnomAD exomes 0.00001; ExAC 0.00002.
gnomAD v4.1: 11 of 1,612,468 alleles (0.00068%); highest among the groups gnomAD compares: Admixed American, 0.0017%; no homozygotes.

Submission:

Ambry Genetics
Classification: Uncertain significance for Inborn genetic diseases. Last evaluated: 2022-06-20. Review status: criteria provided, single submitter. Criteria: Ambry Variant Classification Scheme 2023. Collection method: clinical testing. Allele origin: germline.
Comment: The p.R251H variant (also known as c.752G>A), located in coding exon 8 of the AKT1 gene, results from a G to A substitution at nucleotide position 752. The arginine at codon 251 is replaced by histidine, an amino acid with highly similar properties. This amino acid position is conserved. In addition, the in silico prediction for this alteration is inconclusive. Since supporting evidence is limited at this time, the clinical significance of this alteration remains unclear.

NM_001382430.1(AKT1):c.752G>A (p.Arg251His)

Gene: AKT1 (AKT serine/threonine kinase 1; minus strand). Cytogenetic location: 14q32.33.
Variant type: single nucleotide variant.
Coding change: c.752G>A on transcript NM_001382430.1 (MANE Select); coding-DNA position 752, G replaced by A.
Protein change: p.Arg251His; replaces arginine 251 with histidine.
Molecular consequence: missense variant.
Genome position (GRCh38, 1-based): chr14:104,773,531, C>T on the plus strand (G>A on the coding strand, the complement: AKT1 is on the minus strand). VCF-style: chr14-104773531-C-T. GRCh37 (hg19) VCF-style: chr14-105239868-C-T.
Other names: c.752G>A, p.Arg251His (NM_001014431.2, NM_001014432.2, NM_001382431.1 and 3 more transcripts); short protein forms R251H.
Identifiers: ClinVar variation 1759374 (VCV001759374.2), dbSNP rs756697784, ClinGen allele CA7374650.